The following is an entry in ClinVar:

ClinVar aggregate classification (germline): Uncertain significance (1 of 4 stars; one submission).

Conditions:
Autosomal recessive ataxia, Beauce type. Also called: SYNE1-Related Autosomal Recessive Cerebellar Ataxia; SYNE1 Deficiency; Spinocerebellar ataxia, autosomal recessive 8; ATAXIA, RECESSIVE, OF BEAUCE. Identifiers: Orphanet 88644, MedGen C1853116, MONDO:0012549, OMIM 610743.
Emery-Dreifuss muscular dystrophy 4, autosomal dominant (EDMD4). Also called: EMERY-DREIFUSS MUSCULAR DYSTROPHY 4 WITH VARIABLE FEATURES. Identifiers: Orphanet 261, MedGen C2751807, MONDO:0013071, OMIM 612998.

Allele frequency attached by ClinVar (database versions not stated): gnomAD 0.00001; gnomAD exomes 0.00001; TOPMed 0.00001; ExAC 0.00002.
gnomAD v4.1: 16 of 1,614,084 alleles (0.00099%); highest among the groups gnomAD compares: South Asian, 0.0088%; no homozygotes.

Submission:

Labcorp Genetics (formerly Invitae), Labcorp
Classification: Uncertain significance for Emery-Dreifuss muscular dystrophy 4, autosomal dominant; Autosomal recessive ataxia, Beauce type. Last evaluated: 2026-01-04. Review status: criteria provided, single submitter. Criteria: Invitae Variant Classification Sherloc (09022015). Collection method: clinical testing. Allele origin: germline.
Comment: This sequence change replaces alanine, which is neutral and non-polar, with threonine, which is neutral and polar, at codon 7893 of the SYNE1 protein (p.Ala7893Thr). This variant is present in population databases (rs780744047, gnomAD 0.01%). This variant has not been reported in the literature in individuals affected with SYNE1-related conditions. ClinVar contains an entry for this variant (Variation ID: 1348906). An algorithm developed to predict the effect of missense changes on protein structure and function outputs the following: PolyPhen-2: "Benign". The threonine amino acid residue is found in multiple mammalian species, which suggests that this missense change does not adversely affect protein function. In summary, the available evidence is currently insufficient to determine the role of this variant in disease. Therefore, it has been classified as a Variant of Uncertain Significance.

NM_182961.4(SYNE1):c.23890G>A (p.Ala7964Thr)

Gene: SYNE1 (spectrin repeat containing nuclear envelope protein 1; minus strand). Cytogenetic location: 6q25.2.
Variant type: single nucleotide variant.
Coding change: c.23890G>A on transcript NM_182961.4 (MANE Select); coding-DNA position 23890, G replaced by A.
Protein change: p.Ala7964Thr; replaces alanine 7964 with threonine.
Molecular consequence: missense variant.
Genome position (GRCh38, 1-based): chr6:152,155,998, C>T on the plus strand (G>A on the coding strand, the complement: SYNE1 is on the minus strand). VCF-style: chr6-152155998-C-T. GRCh37 (hg19) VCF-style: chr6-152477133-C-T.
Other names: c.496G>A, p.Ala166Thr (NM_001347701.2); c.355G>A, p.Ala119Thr (NM_001347702.2); c.23677G>A, p.Ala7893Thr (NM_033071.5); short protein forms A7893T, A7964T, A119T, A166T.
Identifiers: ClinVar variation 1348906 (VCV001348906.7), dbSNP rs780744047, ClinGen allele CA4053328.